The following is an entry in ClinVar:

ClinVar aggregate classification (germline): Uncertain significance (1 of 4 stars; one submission).

Conditions:
Alstrom syndrome (ALMS). Identifiers: Orphanet 64, MedGen C0268425, MONDO:0008763, OMIM 203800.

Submission:

Labcorp Genetics (formerly Invitae), Labcorp
Classification: Uncertain significance for Alstrom syndrome. Last evaluated: 2022-11-02. Review status: criteria provided, single submitter. Criteria: Invitae Variant Classification Sherloc (09022015). Collection method: clinical testing. Allele origin: germline.
Comment: This sequence change replaces tyrosine, which is neutral and polar, with cysteine, which is neutral and slightly polar, at codon 966 of the ALMS1 protein (p.Tyr966Cys). This variant is not present in population databases (gnomAD no frequency). This variant has not been reported in the literature in individuals affected with ALMS1-related conditions. ClinVar contains an entry for this variant (Variation ID: 1501734). Experimental studies and prediction algorithms are not available or were not evaluated, and the functional significance of this variant is currently unknown. In summary, the available evidence is currently insufficient to determine the role of this variant in disease. Therefore, it has been classified as a Variant of Uncertain Significance.

NM_001378454.1(ALMS1):c.2894A>G (p.Tyr965Cys)

Gene: ALMS1 (ALMS1 centrosome and basal body associated protein; plus strand). Cytogenetic location: 2p13.1.
Variant type: single nucleotide variant.
Coding change: c.2894A>G on transcript NM_001378454.1 (MANE Select); coding-DNA position 2894, A replaced by G.
Protein change: p.Tyr965Cys; replaces tyrosine 965 with cysteine.
Molecular consequence: missense variant.
Genome position (GRCh38, 1-based): chr2:73,449,421, A>G. VCF-style: chr2-73449421-A-G. GRCh37 (hg19) VCF-style: chr2-73676548-A-G.
Other names: c.2897A>G, p.Tyr966Cys (NM_015120.4); short protein forms Y965C, Y966C.
Identifiers: ClinVar variation 1501734 (VCV001501734.3), dbSNP rs1671879952, ClinGen allele CA347272844.